The following is an entry in ClinVar:

ClinVar aggregate classification (germline): Uncertain significance. Review status: criteria provided, multiple submitters, no conflicts (2 of 4 stars). 3 submissions from 3 submitters: Uncertain significance (3). Last evaluated 2025-10-26.

Allele frequency attached by ClinVar (database versions not stated): gnomAD exomes 0.00001; gnomAD 0.00002; TOPMed 0.00003.

Submissions (3):

Labcorp Genetics (formerly Invitae), Labcorp
Classification: Uncertain significance. Last evaluated: 2025-10-26. Review status: criteria provided, single submitter. Criteria: Invitae Variant Classification Sherloc (09022015). Collection method: clinical testing. Allele origin: germline.
Comment: This sequence change falls in intron 8 of the OPA1 gene. It does not directly change the encoded amino acid sequence of the OPA1 protein. This variant is present in population databases (no rsID available, gnomAD 0.0009%). This variant has not been reported in the literature in individuals affected with OPA1-related conditions. ClinVar contains an entry for this variant (Variation ID: 1912053). Algorithms developed to predict the effect of sequence changes on RNA splicing suggest that this variant may create or strengthen a splice site. In summary, the available evidence is currently insufficient to determine the role of this variant in disease. Therefore, it has been classified as a Variant of Uncertain Significance.

GeneDx
Classification: Uncertain significance. Last evaluated: 2024-02-13. Review status: criteria provided, single submitter. Criteria: GeneDx Variant Classification Process June 2021. Collection method: clinical testing. Allele origin: germline. Affected: yes.
Comment: In silico analysis supports a deleterious effect on splicing; Has not been previously published as pathogenic or benign to our knowledge

Mayo Clinic Laboratories, Mayo Clinic
Classification: Uncertain significance. Last evaluated: 2023-12-21. Review status: criteria provided, single submitter. Criteria: ACMG Guidelines, 2015. Collection method: clinical testing. Allele origin: germline. Observed: 2 variant alleles.
Comment: PP3

NM_130837.3(OPA1):c.1036-5G>A

Gene: OPA1 (OPA1 mitochondrial dynamin like GTPase; plus strand). Cytogenetic location: 3q29.
Variant type: single nucleotide variant.
Coding change: c.1036-5G>A on transcript NM_130837.3 (MANE Select); 5 bases into the intron before coding-DNA position 1036, G replaced by A.
Molecular consequence: intron variant.
Genome position (GRCh38, 1-based): chr3:193,637,947, G>A. VCF-style: chr3-193637947-G-A. GRCh37 (hg19) VCF-style: chr3-193355736-G-A.
Other names: p.?; c.871-5G>A (NM_015560.2, NM_015560.3); c.499-5G>A (NM_001354664.2); c.502-5G>A (NM_001354663.2); c.925-5G>A (NM_130834.3); c.982-5G>A (NM_130836.3); c.928-5G>A (NM_130835.3); c.817-5G>A (NM_130832.3); and 2 more.
Identifiers: ClinVar variation 1912053 (VCV001912053.7), dbSNP rs1050360836, ClinGen allele CA90527410.
Genomic context (GRCh38, chr3:193,637,947, plus strand): 5'-AATAGGTTTTAATTTTAATTTGGTATCAGAAAAATATGAATAAGTGTTCTTTGTTTTGTG[G>A]GAAGGTTGTTGTGGTTGGAGATCAGAGTGCTGGAAAGACTAGTGTGTTGGAAATGATTGC-3'